The following is an entry in ClinVar:

NM_033026.6(PCLO):c.9604T>A (p.Leu3202Ile)

Gene: PCLO (piccolo presynaptic cytomatrix protein; minus strand). Cytogenetic location: 7q21.11.
Variant type: single nucleotide variant.
Coding change: c.9604T>A on transcript NM_033026.6 (MANE Select); coding-DNA position 9604, T replaced by A.
Protein change: p.Leu3202Ile; replaces leucine 3202 with isoleucine.
Molecular consequence: missense variant.
Genome position (GRCh38, 1-based): chr7:82,950,984, A>T on the plus strand (T>A on the coding strand, the complement: PCLO is on the minus strand). VCF-style: chr7-82950984-A-T. GRCh37 (hg19) VCF-style: chr7-82580300-A-T.
Other names: c.9604T>A, p.Leu3202Ile (NM_014510.3); short protein forms L3202I.
Identifiers: ClinVar variation 1716938 (VCV001716938.5), dbSNP rs2535679813, ClinGen allele CA367907963.

ClinVar aggregate classification (germline): Uncertain significance (1 of 4 stars; one submission).

Submission:

Labcorp Genetics (formerly Invitae), Labcorp
Classification: Uncertain significance. Last evaluated: 2022-07-19. Review status: criteria provided, single submitter. Criteria: Invitae Variant Classification Sherloc (09022015). Collection method: clinical testing. Allele origin: germline.
Comment: This variant is not present in population databases (gnomAD no frequency). In summary, the available evidence is currently insufficient to determine the role of this variant in disease. Therefore, it has been classified as a Variant of Uncertain Significance. Algorithms developed to predict the effect of missense changes on protein structure and function are either unavailable or do not agree on the potential impact of this missense change (SIFT: "Tolerated"; PolyPhen-2: "Not Available"; Align-GVGD: "Class C0"). This variant has not been reported in the literature in individuals affected with PCLO-related conditions. This sequence change replaces leucine, which is neutral and non-polar, with isoleucine, which is neutral and non-polar, at codon 3202 of the PCLO protein (p.Leu3202Ile).